The following is an entry in ClinVar:

ClinVar aggregate classification (germline): Uncertain significance (1 of 4 stars; one submission).

Submission:

Labcorp Genetics (formerly Invitae), Labcorp
Classification: Uncertain significance. Last evaluated: 2022-08-16. Review status: criteria provided, single submitter. Criteria: Invitae Variant Classification Sherloc (09022015). Collection method: clinical testing. Allele origin: germline.
Comment: This variant is not present in population databases (gnomAD no frequency). This sequence change replaces asparagine, which is neutral and polar, with threonine, which is neutral and polar, at codon 396 of the ARMC9 protein (p.Asn396Thr). This variant has not been reported in the literature in individuals affected with ARMC9-related conditions. In summary, the available evidence is currently insufficient to determine the role of this variant in disease. Therefore, it has been classified as a Variant of Uncertain Significance. ClinVar contains an entry for this variant (Variation ID: 1395861).

NM_001352754.2(ARMC9):c.1187A>C (p.Asn396Thr)

Gene: ARMC9 (armadillo repeat containing 9; plus strand). Cytogenetic location: 2q37.1.
Variant type: single nucleotide variant.
Coding change: c.1187A>C on transcript NM_001352754.2 (MANE Select); coding-DNA position 1187, A replaced by C.
Protein change: p.Asn396Thr; replaces asparagine 396 with threonine.
Molecular consequence: missense variant. On other transcripts: non-coding transcript variant (1).
Genome position (GRCh38, 1-based): chr2:231,271,049, A>C. VCF-style: chr2-231271049-A-C. GRCh37 (hg19) VCF-style: chr2-232135762-A-C.
Other names: c.1187A>C, p.Asn396Thr (NM_001352756.2, NM_001352759.2, NM_025139.6 and 3 more transcripts); c.1088A>C, p.Asn363Thr (NM_001352757.2, NM_001352758.2); short protein forms N396T, N363T.
Identifiers: ClinVar variation 1395861 (VCV001395861.6), dbSNP rs186036637, ClinGen allele CA350953788.